The following is an entry in ClinVar:

NM_004006.3(DMD):c.9204_9207del (p.Asn3068fs)

Gene: DMD (dystrophin; minus strand). Cytogenetic location: Xp21.2.
Variant type: Microsatellite.
Coding change: c.9204_9207del on transcript NM_004006.3 (MANE Select); coding-DNA positions 9204 to 9207, 4 bases deleted (CAAA; older notation c.9204_9207delCAAA).
Protein change: p.Asn3068fs; shifts the reading frame from asparagine 3068.
Molecular consequence: frameshift variant.
Genome position (GRCh38, 1-based): chrX:31,323,615-31,323,618, TTTG deleted on the plus strand (CAAA on the coding strand, the reverse complement: DMD is on the minus strand); deleting any 4 consecutive bases within chrX:31,323,615-31,323,622 gives the same sequence; the c. name uses the placement nearest the transcript's 3' end. VCF-style (leftmost placement, unchanged base first): chrX-31323614-CTTTG-C. GRCh37 (hg19) VCF-style: chrX-31341731-CTTTG-C.
Other names: c.9204_9207delCAAA (NM_004006.2, NM_004006.3); c.9180_9183del, p.Asn3060fs (NM_000109.4); c.9192_9195del, p.Asn3064fs (NM_004009.3); c.8835_8838del, p.Asn2945fs (NM_004010.3); c.5181_5184del, p.Asn1727fs (NM_004011.4); c.5172_5175del, p.Asn1724fs (NM_004012.4); c.1824_1827del, p.Asn608fs (NM_004013.3, NM_004020.4, NM_004021.3 and 2 more transcripts); c.1017_1020del, p.Asn339fs (NM_004014.3); short protein forms N3064fs, N608fs, N3068fs, N1727fs, N3060fs, N1724fs, N2945fs, N339fs.
Identifiers: ClinVar variation 217217 (VCV000217217.26), dbSNP rs863225015, ClinGen allele CA347486.

ClinVar aggregate classification (germline): Pathogenic. Review status: criteria provided, multiple submitters, no conflicts (2 of 4 stars). 9 submissions from 8 submitters: Pathogenic (7). 2 of the submissions do not count toward it. Last evaluated 2026-05-26.

Conditions:
Becker muscular dystrophy (BMD). Also called: MUSCULAR DYSTROPHY, PSEUDOHYPERTROPHIC PROGRESSIVE, BECKER TYPE; Becker Muscular Dystrophy (BMD). Identifiers: Orphanet 98895, MedGen C0917713, MONDO:0010311, OMIM 300376.
Cardiomyopathy (CMYO). Also called: Cardiomyopathies. Identifiers: Orphanet 167848, MedGen C0878544, MONDO:0004994, HP:0001638. Inheritance: Various modes of inheritance.
Dystrophin deficiency.
Duchenne muscular dystrophy (DMD). Also called: MUSCULAR DYSTROPHY, PSEUDOHYPERTROPHIC PROGRESSIVE, DUCHENNE TYPE; Duchenne Muscular Dystrophy (DMD). Identifiers: Orphanet 98896, MedGen C0013264, MONDO:0010679, OMIM 310200.
Neuromuscular disease caused by qualitative or quantitative defects of dystrophin. Also called: Qualitative or quantitative defects of dystrophin. Identifiers: Orphanet 207085, MedGen C5679787, MONDO:0016147.
Elevated circulating creatine kinase activity. Also called: Elevated circulating creatine kinase concentration; Elevated serum creatine phosphokinase; Elevated creatine kinase. Identifiers: MedGen C0241005, HP:0003236.

Submissions (9):

Women's Health and Genetics/Laboratory Corporation of America, LabCorp
Classification: Pathogenic for Neuromuscular disease caused by qualitative or quantitative defects of dystrophin. Last evaluated: 2026-05-26. Review status: criteria provided, single submitter. Criteria: LabCorp Variant Classification Summary - May 2015. Collection method: clinical testing. Allele origin: germline.
Comment: Variant summary: DMD c.9204_9207delCAAA (p.Asn3068LysfsX20) results in a premature termination codon, predicted to cause a truncation of the encoded protein or absence of the protein due to nonsense mediated decay, which are commonly known mechanisms for disease. The variant was absent in 181177 control chromosomes. c.9204_9207delCAAA has been observed in at least 1 individual(s) affected with DMD-related conditions (example, Zhang_2019). These report(s) do not provide unequivocal conclusions about association of the variant with disease. To our knowledge, no experimental evidence demonstrating an impact on protein function has been reported. The following publication has been ascertained in the context of this evaluation (PMID: 31727011). ClinVar contains an entry for this variant (Variation ID: 217217). Based on the evidence outlined above, the variant was classified as pathogenic.

Labcorp Genetics (formerly Invitae), Labcorp
Classification: Pathogenic for Duchenne muscular dystrophy. Last evaluated: 2025-09-10. Review status: criteria provided, single submitter. Criteria: Invitae Variant Classification Sherloc (09022015). Collection method: clinical testing. Allele origin: germline.
Comment: This sequence change creates a premature translational stop signal (p.Asn3068Lysfs*20) in the DMD gene. It is expected to result in an absent or disrupted protein product. Loss-of-function variants in DMD are known to be pathogenic (PMID: 16770791, 25007885). This variant is not present in population databases (gnomAD no frequency). This premature translational stop signal has been observed in individuals with DMD-related muscular dystrophy (PMID: 15643612, 17259292, 20098710, 21396098). Invitae Evidence Modeling of clinical and family history, age, sex, and reported ancestry of multiple individuals with this DMD variant has been performed. This variant is expected to be pathogenic with a positive predictive value of at least 99%. This is a validated machine learning model that incorporates the clinical features of 600,801 individuals referred to our laboratory for DMD testing. For these reasons, this variant has been classified as Pathogenic.

Laboratory of Medical Genetics, National & Kapodistrian University of Athens
Classification: Pathogenic for Elevated circulating creatine kinase activity. Last evaluated: 2023-01-20. Review status: criteria provided, single submitter. Criteria: ACMG Guidelines, 2015. Collection method: clinical testing. Allele origin: germline. Inheritance: X-linked inheritance. Affected: yes.

Laboratory of Medical Genetics, National & Kapodistrian University of Athens
Classification: Pathogenic for Duchenne muscular dystrophy. Last evaluated: 2022-12-16. Review status: criteria provided, single submitter. Criteria: ACMG Guidelines, 2015. Collection method: clinical testing. Allele origin: germline. Affected: yes.
Comment: PVS1, PM2, PP5

GeneDx
Classification: Pathogenic. Last evaluated: 2022-07-01. Review status: criteria provided, single submitter. Criteria: GeneDx Variant Classification Process June 2021. Collection method: clinical testing. Allele origin: germline. Affected: yes.
Comment: Frameshift variant predicted to result in protein truncation or nonsense mediated decay in a gene for which loss-of-function is a known mechanism of disease; Not observed in large population cohorts (gnomAD); This variant is associated with the following publications: (PMID: 28152980, 11524473, 17259292, 21396098, 25972034, 27363342, 15643612, 20098710, 31727011, 34297739, 31671740)

Athena Diagnostics
Classification: Pathogenic for Duchenne muscular dystrophy. Last evaluated: 2015-03-23. Review status: criteria provided, single submitter. Criteria: Athena Diagnostics Criteria. Collection method: clinical testing. Allele origin: germline. Inheritance: X-linked recessive inheritance.
Comment: X-linked recessive inheritance

Genomic Diagnostics Laboratory, National Institute of Medical Genomics
Classification: Pathogenic for Duchenne muscular dystrophy. Review status: criteria provided, single submitter. Criteria: ACMG Guidelines, 2015. Collection method: research. Allele origin: germline. Affected: yes.

Science and Education Division, Hunan Jiahui Genetics Hospital
Classification: Pathogenic for Duchenne muscular dystrophy. Last evaluated: 2026-11-08. Review status: no assertion criteria provided. Collection method: research. Allele origin: unknown, maternal. Inheritance: X-linked recessive inheritance. Affected: yes. Observed: 3 variant alleles, 3 hemizygotes. Not counted in ClinVar's aggregate classification.

Natera, Inc.
Classification: Pathogenic for Becker muscular dystrophy; Cardiomyopathy; Duchenne muscular dystrophy; Dystrophin deficiency. Last evaluated: 2017-03-17. Review status: no assertion criteria provided. Collection method: clinical testing. Allele origin: germline. Not counted in ClinVar's aggregate classification.

Literature cited by the submitters: PubMed 31727011 (cited by Women's Health and Genetics/Laboratory Corporation of America, LabCorp); PubMed 16770791 (cited by Labcorp Genetics (formerly Invitae), Labcorp); PubMed 25007885 (cited by Labcorp Genetics (formerly Invitae), Labcorp); PubMed 15643612 (cited by Labcorp Genetics (formerly Invitae), Labcorp); PubMed 17259292 (cited by Labcorp Genetics (formerly Invitae), Labcorp and Athena Diagnostics); PubMed 20098710 (cited by Labcorp Genetics (formerly Invitae), Labcorp); PubMed 21396098 (cited by Labcorp Genetics (formerly Invitae), Labcorp).